The following is an entry in ClinVar:

NM_019032.6(ADAMTSL4):c.2293C>T (p.Arg765Cys)

Gene: ADAMTSL4 (ADAMTS like 4; plus strand). Cytogenetic location: 1q21.2.
Variant type: single nucleotide variant.
Coding change: c.2293C>T on transcript NM_019032.6 (MANE Select); coding-DNA position 2293, C replaced by T.
Protein change: p.Arg765Cys; replaces arginine 765 with cysteine.
Molecular consequence: missense variant.
Genome position (GRCh38, 1-based): chr1:150,558,060, C>T. VCF-style: chr1-150558060-C-T. GRCh37 (hg19) VCF-style: chr1-150530536-C-T.
Other names: c.2293C>T (NM_019032.5); c.2176C>T, p.Arg726Cys (NM_001288607.2); c.2362C>T, p.Arg788Cys (NM_001288608.2); c.2293C>T, p.Arg765Cys (NM_001378596.1, NM_025008.5); short protein forms R788C, R726C, R765C.
Identifiers: ClinVar variation 875375 (VCV000875375.10), dbSNP rs139296719, ClinGen allele CA1078614.
Genomic context (GRCh38, chr1:150,558,060, plus strand): 5'-CACCGCCAGCTGCAGTGCCGGCAGGAATTTGGGGGGGGTGGCTCCTCGGTGCCCCCGGAG[C>T]GCTGTGGACATCTCCCCCGGCCCAACATCACCCAGTCTTGCCAGCTGCGCCTCTGTGGCC-3'
Protein context (NP_061905.2, residues 755-775): GGGGSSVPPE[Arg765Cys]CGHLPRPNIT

ClinVar aggregate classification (germline): Uncertain significance. Review status: criteria provided, multiple submitters, no conflicts (2 of 4 stars). 7 submissions from 6 submitters: Uncertain significance (7). Last evaluated 2024-06-07.

Conditions:
Ectopia lentis et pupillae. Also called: ECTOPIA LENTIS WITH ECTOPIA OF PUPIL. Identifiers: Orphanet 1885, MedGen C1644196, MONDO:0009153, OMIM 225200.
Ectopia lentis 2, isolated, autosomal recessive (ECTOL2). Identifiers: Orphanet 1885, MedGen C3541474, MONDO:0009152, OMIM 225100.
Inborn genetic diseases. Identifiers: MedGen C0950123, MeSH D030342.

Allele frequency attached by ClinVar (database versions not stated): ESP Exome Variant Server 0.00008; gnomAD 0.00008 and 0.00009; TOPMed 0.00012; ExAC 0.00019; gnomAD exomes 0.00019.
gnomAD v4.1: 235 of 1,612,952 alleles (0.015%); highest among the groups gnomAD compares: Middle Eastern, 0.066%; no homozygotes.

Submissions (7):

Blueprint Genetics
Classification: Uncertain significance. Last evaluated: 2024-06-07. Review status: criteria provided, single submitter. Criteria: ACMG Guidelines, 2015. Collection method: clinical testing. Allele origin: germline.

Ambry Genetics
Classification: Uncertain significance for Inborn genetic diseases. Last evaluated: 2024-04-15. Review status: criteria provided, single submitter. Criteria: Ambry Variant Classification Scheme 2023. Collection method: clinical testing. Allele origin: germline.

Genome-Nilou Lab
Classification: Uncertain significance for Ectopia lentis et pupillae. Last evaluated: 2023-04-11. Review status: criteria provided, single submitter. Criteria: ACMG Guidelines, 2015. Collection method: clinical testing. Allele origin: germline. Affected: no.

Genome-Nilou Lab
Classification: Uncertain significance for Ectopia lentis 2, isolated, autosomal recessive. Last evaluated: 2023-04-11. Review status: criteria provided, single submitter. Criteria: ACMG Guidelines, 2015. Collection method: clinical testing. Allele origin: germline. Affected: no.

Labcorp Genetics (formerly Invitae), Labcorp
Classification: Uncertain significance. Last evaluated: 2022-10-17. Review status: criteria provided, single submitter. Criteria: Invitae Variant Classification Sherloc (09022015). Collection method: clinical testing. Allele origin: germline.
Comment: This sequence change replaces arginine, which is basic and polar, with cysteine, which is neutral and slightly polar, at codon 765 of the ADAMTSL4 protein (p.Arg765Cys). This variant is present in population databases (rs139296719, gnomAD 0.04%). This variant has not been reported in the literature in individuals affected with ADAMTSL4-related conditions. ClinVar contains an entry for this variant (Variation ID: 875375). Algorithms developed to predict the effect of missense changes on protein structure and function (SIFT, PolyPhen-2, Align-GVGD) all suggest that this variant is likely to be disruptive. In summary, the available evidence is currently insufficient to determine the role of this variant in disease. Therefore, it has been classified as a Variant of Uncertain Significance.

Clinical Genetics Laboratory, Skane University Hospital Lund
Classification: Uncertain significance. Last evaluated: 2022-05-27. Review status: criteria provided, single submitter. Criteria: ACMG Guidelines, 2015. Collection method: clinical testing. Allele origin: germline. Affected: yes.

Illumina Laboratory Services, Illumina
Classification: Uncertain significance for Ectopia lentis 2, isolated, autosomal recessive. Last evaluated: 2018-01-13. Review status: criteria provided, single submitter. Criteria: ICSL Variant Classification Criteria 13 December 2019. Collection method: clinical testing. Allele origin: germline.